The following is an entry in ClinVar:

ClinVar aggregate classification (germline): Pathogenic. Review status: criteria provided, multiple submitters, no conflicts (2 of 4 stars). 17 submissions from 17 submitters: Pathogenic (15). 2 of the submissions do not count toward it. Last evaluated 2026-08-28.

Conditions:
GCDH-related disorder. Also called: GCDH-related condition.
Glutaric aciduria, type 1. Also called: Glutaricacidemia Type 1; Glutaricaciduria, type I; GA I; Glutaryl-CoA dehydrogenase deficiency; Glutaric acidemia type I; Glutaric Acidemia Type 1. Identifiers: Orphanet 25, MedGen C0268595, MONDO:0009281, OMIM 231670.

Allele frequency attached by ClinVar (database versions not stated): ExAC 0.00002; gnomAD exomes 0.00004 and 0.00003; TOPMed 0.00002; gnomAD 0.00005 and 0.00004; 1000 Genomes Project 0.00020; 1000 Genomes Project 30x 0.00016.
gnomAD v4.1: 64 of 1,614,150 alleles (0.004%); highest among the groups gnomAD compares: African/African-American, 0.0053%; no homozygotes.

Submissions (17):

Institute of Human Genetics, Heidelberg University
Classification: Pathogenic for Glutaric aciduria, type 1. Last evaluated: 2026-08-28. Review status: criteria provided, single submitter. Criteria: ACMG Guidelines, 2015. Collection method: clinical testing. Allele origin: biparental. Affected: yes. Observed: 1 variant allele.
Comment: PM2_supp, PP3_mod, PM3_vs, PP4_strong

CeGaT Center for Human Genetics Tuebingen
Classification: Pathogenic. Last evaluated: 2026-07-01. Review status: criteria provided, single submitter. Criteria: CeGaT Center For Human Genetics Tuebingen Variant Classification Criteria Version 2. Collection method: clinical testing. Allele origin: germline. Affected: yes. Observed: 4 variant alleles.
Comment: GCDH: PM3:Very Strong, PM2

Labcorp Genetics (formerly Invitae), Labcorp
Classification: Pathogenic for Glutaric aciduria, type 1. Last evaluated: 2025-12-19. Review status: criteria provided, single submitter. Criteria: Invitae Variant Classification Sherloc (09022015). Collection method: clinical testing. Allele origin: germline.
Comment: This sequence change replaces glutamic acid, which is acidic and polar, with lysine, which is basic and polar, at codon 365 of the GCDH protein (p.Glu365Lys). This variant is present in population databases (rs121434370, gnomAD 0.01%). This missense change has been observed in individual(s) with glutaric acid acidemia (PMID: 8900227, 10066389, 10699052, 11174631, 28438223). In at least one individual the data is consistent with being in trans (on the opposite chromosome) from a pathogenic variant. It has also been observed to segregate with disease in related individuals. ClinVar contains an entry for this variant (Variation ID: 2086). Invitae Evidence Modeling of protein sequence and biophysical properties (such as structural, functional, and spatial information, amino acid conservation, physicochemical variation, residue mobility, and thermodynamic stability) has been performed for this missense variant. However, the output from this modeling did not meet the statistical confidence thresholds required to predict the impact of this variant on GCDH protein function. For these reasons, this variant has been classified as Pathogenic.

Natera, Inc.
Classification: Pathogenic for Glutaric acidemia type 1. Last evaluated: 2025-10-20. Review status: criteria provided, single submitter. Criteria: Natera Variant Classification Schema (03/2026). Collection method: clinical testing. Allele origin: germline.
Comment: The c.1093G>A variant in GCDH is a missense variant predicted to cause substitution of glutamic acid to lysine at amino acid 365. This variant is rare in the general population with a frequency below the threshold expected for the associated phenotype(s). This variant has been observed in one or more individuals affected with the associated recessive disease, as either homozygous or compound heterozygous with a second variant (PMID: 33578440, 28438223). Additionally, this variant has been observed to segregate in affected family members (PMID: 10066389, 32777384, 28438223). This variant has been identified in one or more affected individuals with a phenotype highly consistent with the associated gene (PMID: 33578440, 28438223). Computational prediction algorithms indicate this variant is likely to affect gene or protein function. Given the available evidence, this variant is classified as Pathogenic.

North West Genomic Laboratory Hub, Manchester University NHS Foundation Trust
Classification: Pathogenic for Glutaric aciduria, type 1. Last evaluated: 2025-03-04. Review status: criteria provided, single submitter. Criteria: ACGS Best Practice Guidelines for Variant Classification in Rare Disease 2024. Collection method: clinical testing. Allele origin: germline. Affected: yes.
Comment: PM3_Str PP4_Str PM2_Mod PP3_Supp

Blueprint Genetics
Classification: Pathogenic for GCDH-related disorders. Last evaluated: 2024-09-06. Review status: criteria provided, single submitter. Criteria: ACMG Guidelines, 2015. Collection method: clinical testing. Allele origin: germline. Affected: yes. Observed: 3 variant alleles.

Mayo Clinic Laboratories, Mayo Clinic
Classification: Pathogenic. Last evaluated: 2024-09-04. Review status: criteria provided, single submitter. Criteria: ACMG Guidelines, 2015. Collection method: clinical testing. Allele origin: germline. Observed: 1 variant allele.
Comment: PP2, PP3, PP4, PM2, PM3, PS3, PS4

Greenwood Genetic Center Diagnostic Laboratories, Greenwood Genetic Center
Classification: Pathogenic for Glutaric aciduria, type 1. Last evaluated: 2024-08-19. Review status: criteria provided, single submitter. Criteria: ACMG Guidelines, 2015. Collection method: clinical testing. Allele origin: germline. Affected: yes.
Comment: PS3, PM1_Supporting, PM2, PM3, PP3

Genomic Medicine Center of Excellence, King Faisal Specialist Hospital and Research Centre
Classification: Pathogenic for Glutaric aciduria, type 1. Last evaluated: 2024-03-17. Review status: criteria provided, single submitter. Criteria: ACMG Guidelines, 2015. Collection method: research. Allele origin: germline.

Fulgent Genetics
Classification: Pathogenic for Glutaric aciduria, type 1. Last evaluated: 2022-01-13. Review status: criteria provided, single submitter. Criteria: ACMG Guidelines, 2015. Collection method: clinical testing. Allele origin: unknown.

Revvity Omics, Revvity
Classification: Pathogenic for Glutaric aciduria, type 1. Last evaluated: 2021-06-10. Review status: criteria provided, single submitter. Criteria: ACMG Guidelines, 2015. Collection method: clinical testing. Allele origin: germline.

Women's Health and Genetics/Laboratory Corporation of America, LabCorp
Classification: Pathogenic for Glutaric aciduria, type 1. Last evaluated: 2021-06-03. Review status: criteria provided, single submitter. Criteria: LabCorp Variant Classification Summary - May 2015. Collection method: clinical testing. Allele origin: germline.
Comment: Variant summary: GCDH c.1093G>A (p.Glu365Lys) results in a conservative amino acid change located in the C-terminal domain (IPR009075) of the encoded protein sequence. Three of five in-silico tools predict a damaging effect of the variant on protein function. The variant allele was found at a frequency of 2.8e-05 in 251412 control chromosomes (gnomAD). c.1093G>A has been reported in the literature in multiple homozygous and compound heterozygous individuals affected with Glutaric Acidemia Type 1 (e.g. Nyhan_1999, Zschocke_2000, Kolker_2001, Monies_2019). These data indicate that the variant is very likely to be associated with disease. Publications also reported experimental evidence evaluating an impact on protein function, and demonstrated an almost complete loss (~1% of control) of enzymatic activity (e.g. Nyhan_1999, Kolker_2006). Five clinical diagnostic laboratories have submitted clinical-significance assessments for this variant to ClinVar after 2014 without evidence for independent evaluation. All laboratories classified the variant as pathogenic (n=4) / likely pathogenic (n=1). Based on the evidence outlined above, the variant was classified as pathogenic.

GeneDx
Classification: Pathogenic. Last evaluated: 2019-08-14. Review status: criteria provided, single submitter. Criteria: GeneDx Variant Classification Process June 2021. Collection method: clinical testing. Allele origin: germline. Affected: yes.
Comment: Published functional studies demonstrate that E365K had significantly reduced enzymatic activity when compared with wild-type expressing cells (Nyhan et al., 1999); Not observed at a significant frequency in large population cohorts (Lek et al., 2016); In silico analysis, which includes protein predictors and evolutionary conservation, supports a deleterious effect; This variant is associated with the following publications: (PMID: 32777384, 31980526, 31130284, 29721918, 28438223, 9711871, 10066389, 11174631, 10699052, 8900227, 25087612, 29555771, 30570710)

Institute of Human Genetics Munich, TUM University Hospital
Classification: Pathogenic for Glutaric aciduria, type 1. Last evaluated: 2019-06-11. Review status: criteria provided, single submitter. Criteria: Classification criteria August 2017. Collection method: clinical testing. Allele origin: germline. Inheritance: Autosomal recessive inheritance. Affected: yes. Observed: 1 compound heterozygote.

Center for Pediatric Genomic Medicine, Children's Mercy Hospital and Clinics
Classification: Pathogenic. Last evaluated: 2014-07-07. Review status: criteria provided, single submitter. Criteria: ACMG Guidelines, 2015. Collection method: clinical testing. Allele origin: germline.

OMIM
Classification: Pathogenic for GLUTARIC ACIDEMIA I. Last evaluated: 2001-02-01. Review status: no assertion criteria provided. Collection method: literature only. Allele origin: germline. Not counted in ClinVar's aggregate classification.

GeneReviews
No classification provided. Condition: Glutaric aciduria, type 1. Review status: no classification provided. Collection method: literature only. Allele origin: germline. Not counted in ClinVar's aggregate classification.
Comment: Founder variant in Irish Traveler communities in the Republic of Ireland

Literature cited by the submitters: PubMed 8900227 (cited by Labcorp Genetics (formerly Invitae), Labcorp and Mayo Clinic Laboratories, Mayo Clinic); PubMed 10066389 (cited by 4 submitters); PubMed 10699052 (cited by 3 submitters); PubMed 11174631 (cited by 3 submitters); PubMed 28438223 (cited by 3 submitters); PubMed 33578440 (cited by Natera, Inc. and Mayo Clinic Laboratories, Mayo Clinic); PubMed 32777384 (cited by Natera, Inc. and Mayo Clinic Laboratories, Mayo Clinic); PubMed 29555771 (cited by Mayo Clinic Laboratories, Mayo Clinic); PubMed 31130284 (cited by Mayo Clinic Laboratories, Mayo Clinic and Women's Health and Genetics/Laboratory Corporation of America, LabCorp); PubMed 35822093 (cited by Mayo Clinic Laboratories, Mayo Clinic); PubMed 37020324 (cited by Mayo Clinic Laboratories, Mayo Clinic); PubMed 16641220 (cited by Women's Health and Genetics/Laboratory Corporation of America, LabCorp); PubMed 15505400 (cited by GeneReviews); PubMed 31536184 (cited by GeneReviews).

NM_000159.4(GCDH):c.1093G>A (p.Glu365Lys)

Gene: GCDH (glutaryl-CoA dehydrogenase; plus strand). Cytogenetic location: 19p13.13.
Variant type: single nucleotide variant.
Coding change: c.1093G>A on transcript NM_000159.4 (MANE Select); coding-DNA position 1093, G replaced by A.
Protein change: p.Glu365Lys; replaces glutamic acid 365 with lysine.
Molecular consequence: missense variant. On other transcripts: non-coding transcript variant (2).
Genome position (GRCh38, 1-based): chr19:12,897,713, G>A. VCF-style: chr19-12897713-G-A. GRCh37 (hg19) VCF-style: chr19-13008527-G-A.
Other names: c.1093G>A, p.Glu365Lys (NM_013976.5); c.1093G>A (NM_000159.2); short protein forms E365K.
Identifiers: ClinVar variation 2086 (VCV000002086.37), dbSNP rs121434370, ClinGen allele CA252098.
Genomic context (GRCh38, chr19:12,897,713, plus strand): 5'-TCGGGATGCCAGGATCCCCAGTCCTTGTTACCCTCATGTGCCACTCCCAGGGCTGCCCCC[G>A]AGATGGTTTCTCTGCTGAAGAGGAATAACTGTGGGAAAGCCCTGGACATCGCCCGCCAGG-3'
Protein context (NP_000150.1, residues 355-375): RLKDQDKAAP[Glu365Lys]MVSLLKRNNC